The following is an entry in ClinVar:

NM_001715.3(BLK):c.1171G>A (p.Ala391Thr)

Gene: BLK (BLK proto-oncogene, Src family tyrosine kinase). Cytogenetic location: 8p23.1.
Variant type: single nucleotide variant.
Coding change: c.1171G>A on transcript NM_001715.3 (MANE Select); coding-DNA position 1171, G replaced by A.
Protein change: p.Ala391Thr; replaces alanine 391 with threonine.
Molecular consequence: missense variant.
Genome position (GRCh38, 1-based): chr8:11,561,443, G>A. VCF-style: chr8-11561443-G-A. GRCh37 (hg19) VCF-style: chr8-11418952-G-A.
Other names: NP_001706.2:p.(Ala391Thr); c.958G>A, p.Ala320Thr (NM_001330465.2); short protein forms A320T, A391T.
Identifiers: ClinVar variation 2580178 (VCV002580178.2), dbSNP rs575586576, ClinGen allele CA4630391.
Genomic context (GRCh38, chr8:11,561,443, plus strand): 5'-GCCTTGTGCTGCAAAATTGCTGATTTTGGCTTGGCTCGAATCATCGACAGTGAATACACG[G>A]CCCAAGAGGGTAAGCACAGCCCCTAACCACAAGGGAAACCTAGGGCCTTATCTTTCCCAG-3'
Protein context (NP_001706.2, residues 381-401): LARIIDSEYT[Ala391Thr]QEGAKFPIKW

ClinVar aggregate classification (germline): Uncertain significance (1 of 4 stars; one submission).

Conditions:
Maturity-onset diabetes of the young type 11. Identifiers: Orphanet 552, MedGen C3150618, MONDO:0013242, OMIM 613375.

Allele frequency attached by ClinVar (database versions not stated): gnomAD 0.00001; gnomAD exomes 0.00001; ExAC 0.00005; 1000 Genomes Project 0.00020; 1000 Genomes Project 30x 0.00031.
gnomAD v4.1: 20 of 1,613,776 alleles (0.0012%); highest among the groups gnomAD compares: South Asian, 0.022%; no homozygotes.

Submission:

Department Of Endocrinology, Sanjay Gandhi Postgraduate Institute Of Medical Sciences
Classification: Uncertain significance for Maturity-onset diabetes of the young type 11. Last evaluated: 2023-08-15. Review status: criteria provided, single submitter. Criteria: ACMG Guidelines, 2015. Collection method: clinical testing. Allele origin: unknown. Inheritance: Autosomal dominant inheritance. Affected: yes. Observed: 1 heterozygote.
Comment: Heterozygous missense variation in exon 11 of the BLK gene (chr8:g.11561443G>A) that results in the amino acid substitution of Threonine for Alanine at codon 391. The variant has not been reported in the 1000 genome database and has a frequency of 0.000013 in gnomAD genomes database. The in-silico predictions of the variant are possibly damaging by PolyPhen-2 (HumDiv) and damaging by SIFT and Mutationtaster2. The reference codon is conserved across species. It is a missense variant in a gene for which primarily truncating variants are known to cause disease (BP1).